The following is an entry in ClinVar:

NM_005609.4(PYGM):c.1440_1441insTGTCTCTTATA (p.Gln481fs)

Gene: PYGM (glycogen phosphorylase, muscle associated; minus strand). Cytogenetic location: 11q13.1.
Variant type: Insertion.
Coding change: c.1440_1441insTGTCTCTTATA on transcript NM_005609.4 (MANE Select); coding-DNA positions 1440 to 1441, TGTCTCTTATA inserted.
Protein change: p.Gln481fs; shifts the reading frame from glutamine 481.
Molecular consequence: frameshift variant.
Genome position: GRCh38 VCF-style: chr11-64753150-G-GTATAAGAGACA. GRCh37 (hg19) VCF-style: chr11-64520622-G-GTATAAGAGACA.
Other names: c.1176_1177insTGTCTCTTATA, p.Gln393fs (NM_001164716.1); short protein forms Q393fs, Q481fs.
Identifiers: ClinVar variation 5010541 (VCV005010541.1).
Genomic context (GRCh38, chr11:64,753,150, plus strand): 5'-CCAGCCCGGGGTTACACAGAACCAGCCAGCGCCGAGGGGTGATGCCGTTGGTCTTATTCT[G>GTATAAGAGACA]GAACTTATGAGGCTCCAGCTCATAGAAGTCTTTGAAGCTGCAGGATGAGGTTGGACGAGG-3'

ClinVar aggregate classification (germline): Pathogenic (1 of 4 stars; one submission).

Conditions:
Glycogen storage disease, type V (GSD5). Also called: MCARDLE DISEASE; MUSCLE GLYCOGEN PHOSPHORYLASE DEFICIENCY; MYOPHOSPHORYLASE DEFICIENCY; PYGM DEFICIENCY; McArdle type glycogen storage disease. Identifiers: Orphanet 368, MedGen C0017924, MONDO:0009293, OMIM 232600.

Submission:

Myriad Genetics, Inc.
Classification: Pathogenic for Glycogen storage disease, type V. Last evaluated: 2024-05-14. Review status: criteria provided, single submitter. Criteria: Myriad Autosomal Dominant, Autosomal Recessive and X-Linked Classification Criteria (2023). Collection method: clinical testing. Allele origin: unknown.
Comment: NM_005609.2(PYGM):c.1440_1441ins11(Q481Cfs*62) is expected to be pathogenic in the context of glycogen storage disease, PYGM-related. This variant is predicted to lead to an abnormal or absent protein product due to the creation of a premature termination codon in PYGM, a gene where loss-of-function variants are known to be pathogenic. Please note: this variant was assessed in the context of healthy population screening.